The following is an entry in ClinVar:

ClinVar aggregate classification (germline): Likely benign (0 of 4 stars; one submission).

Conditions:
WDFY3-related disorder.

Submission:

PreventionGenetics, part of Exact Sciences
Classification: Likely benign for WDFY3-related condition. Last evaluated: 2020-02-20. Review status: no assertion criteria provided. Collection method: clinical testing. Allele origin: germline.
Comment: This variant is classified as likely benign based on ACMG/AMP sequence variant interpretation guidelines (Richards et al. 2015 PMID: 25741868, with internal and published modifications).

NM_014991.6(WDFY3):c.577-3dup

Gene: WDFY3 (WD repeat and FYVE domain containing 3; minus strand). Cytogenetic location: 4q21.23.
Variant type: Duplication.
Coding change: c.577-3dup on transcript NM_014991.6 (MANE Select); 3 bases into the intron before coding-DNA position 577, one base duplicated (T; older notation c.577-3dupT).
Molecular consequence: intron variant.
Genome position (GRCh38, 1-based): chr4:84,831,608, A duplicated on the plus strand (T on the coding strand, the reverse complement: WDFY3 is on the minus strand); the first of 6 consecutive A bases (chr4:84,831,608-84,831,613); duplicating any one gives the same sequence. VCF-style (leftmost placement, unchanged base first): chr4-84831607-T-TA. GRCh37 (hg19) VCF-style: chr4-85752760-T-TA.
Identifiers: ClinVar variation 3050899 (VCV003050899.2), dbSNP rs764543953, ClinGen allele CA2994125.
Genomic context (GRCh38, chr4:84,831,607, plus strand): 5'-TCATCTTTCTGAGCCAGCTCCTCCGCAGGGGAAACAAAACTGCACAGTTTCACTAAGATC[T>TA]AAAAAATAAAACAAAACAAAACAAGAGTGTATAAGCAAAAATCAAATAATCTGATTTAAA-3'